The following is an entry in ClinVar:

NM_000143.4(FH):c.452T>A (p.Met151Lys)

Gene: FH (fumarate hydratase; minus strand). Cytogenetic location: 1q43.
Variant type: single nucleotide variant.
Coding change: c.452T>A on transcript NM_000143.4 (MANE Select); coding-DNA position 452, T replaced by A.
Protein change: p.Met151Lys; replaces methionine 151 with lysine.
Molecular consequence: missense variant.
Genome position (GRCh38, 1-based): chr1:241,512,070, A>T on the plus strand (T>A on the coding strand, the complement: FH is on the minus strand). VCF-style: chr1-241512070-A-T. GRCh37 (hg19) VCF-style: chr1-241675370-A-T.
Other names: short protein forms M151K.
Identifiers: ClinVar variation 961680 (VCV000961680.15), dbSNP rs1660099266, ClinGen allele CA345440076.

ClinVar aggregate classification (germline): Conflicting classifications of pathogenicity. Review status: criteria provided, conflicting classifications (1 of 4 stars). 3 submissions from 3 submitters: Likely pathogenic (2); Uncertain significance (1). Last evaluated 2025-07-29.

Conditions:
Hereditary cancer-predisposing syndrome. Also called: Hereditary neoplastic syndrome; Neoplastic Syndromes, Hereditary; Hereditary Cancer Syndrome; Tumor predisposition. Identifiers: Orphanet 140162, MedGen C0027672, MeSH D009386, MONDO:0015356.

Submissions (4):

Labcorp Genetics (formerly Invitae), Labcorp
Classification: Likely pathogenic. Last evaluated: 2025-07-29. Review status: criteria provided, single submitter. Criteria: Invitae Variant Classification Sherloc (09022015). Collection method: clinical testing. Allele origin: germline.
Comment: This sequence change replaces methionine, which is neutral and non-polar, with lysine, which is basic and polar, at codon 151 of the FH protein (p.Met151Lys). This variant is not present in population databases (gnomAD no frequency). This missense change has been observed in individual(s) with hereditary leiomyomatosis and renal cell cancer (HLRCC) syndrome (internal data). It has also been observed to segregate with disease in related individuals. ClinVar contains an entry for this variant (Variation ID: 961680). Invitae Evidence Modeling of protein sequence and biophysical properties (such as structural, functional, and spatial information, amino acid conservation, physicochemical variation, residue mobility, and thermodynamic stability) indicates that this missense variant is expected to disrupt FH protein function with a positive predictive value of 95%. Experimental studies have shown that this missense change affects FH function (PMID: 37255402). In summary, the currently available evidence indicates that the variant is pathogenic, but additional data are needed to prove that conclusively. Therefore, this variant has been classified as Likely Pathogenic.

Ambry Genetics
Classification: Likely pathogenic for Hereditary cancer-predisposing syndrome. Last evaluated: 2025-03-14. Review status: criteria provided, single submitter. Criteria: Ambry Variant Classification Scheme 2023. Collection method: clinical testing. Allele origin: germline.
Comment: The p.M151K variant (also known as c.452T>A), located in coding exon 4 of the FH gene, results from a T to A substitution at nucleotide position 452. The methionine at codon 151 is replaced by lysine, an amino acid with similar properties. This variant was identified in multiple individuals with features consistent with hereditary leiomyomatosis and renal cell cancer and segregated with disease in at least one family (Wilde BR et al. Cancer Discov. 2023 Sep;13(9):2072-2089). In addition, in an assay of enzymatic activity, this variant was reported as non-functional (Wilde BR et al. Cancer Discov. 2023 Sep;13(9):2072-2089). This amino acid position is highly conserved in available vertebrate species. In addition, this alteration is predicted to be deleterious by in silico analysis. This variant is considered to be rare based on population cohorts in the Genome Aggregation Database (gnomAD). Based on the majority of available evidence to date, this variant is likely to be pathogenic.

GeneDx
Classification: Uncertain significance. Last evaluated: 2020-08-25. Review status: criteria provided, single submitter. Criteria: GeneDx Variant Classification Process June 2021. Collection method: clinical testing. Allele origin: germline. Affected: yes.
Comment: Not observed in large population cohorts (Lek 2016); In silico analysis supports that this missense variant has a deleterious effect on protein structure/function; Has not been previously published as pathogenic or benign to our knowledge

Blake Wilde Laboratory, Roswell Park Comprehensive Cancer Center
No classification provided (evidence only). Condition: Hereditary leiomyomatosis and renal cell cancer. Review status: no classification provided. Collection method: in vitro. Allele origin: not applicable. Functional consequence: decreased enzyme activity. Not counted in ClinVar's aggregate classification.

Literature cited by the submitters: PubMed 37255402 (cited by Labcorp Genetics (formerly Invitae), Labcorp and Ambry Genetics).